The following is an entry in ClinVar:

NM_016955.4(SEPSECS):c.1150C>T (p.Arg384Cys)

Gene: SEPSECS (Sep (O-phosphoserine) tRNA:Sec (selenocysteine) tRNA synthase; minus strand). Cytogenetic location: 4p15.2.
Variant type: single nucleotide variant.
Coding change: c.1150C>T on transcript NM_016955.4 (MANE Select); coding-DNA position 1150, C replaced by T.
Protein change: p.Arg384Cys; replaces arginine 384 with cysteine.
Molecular consequence: missense variant.
Genome position (GRCh38, 1-based): chr4:25,125,755, G>A on the plus strand (C>T on the coding strand, the complement: SEPSECS is on the minus strand). VCF-style: chr4-25125755-G-A. GRCh37 (hg19) VCF-style: chr4-25127377-G-A.
Other names: c.1150C>T (NM_016955.3); short protein forms R384C.
Identifiers: ClinVar variation 1445908 (VCV001445908.6), dbSNP rs373671252, ClinGen allele CA93565520.

ClinVar aggregate classification (germline): Uncertain significance. Review status: criteria provided, multiple submitters, no conflicts (2 of 4 stars). 2 submissions from 2 submitters: Uncertain significance (2). Last evaluated 2025-04-10.

Conditions:
SEPSECS-related disorder. Also called: SEPSECS-related condition.

Allele frequency attached by ClinVar (database versions not stated): gnomAD 0.00001; gnomAD exomes 0.00002; TOPMed 0.00003.
gnomAD v4.1: 33 of 1,612,456 alleles (0.002%); highest among the groups gnomAD compares: Non-Finnish European, 0.0025%; no homozygotes.

Submissions (2):

PreventionGenetics, part of Exact Sciences
Classification: Uncertain significance for SEPSECS-related condition. Last evaluated: 2025-04-10. Review status: criteria provided, single submitter. Criteria: ACMG Guidelines, 2015. Collection method: clinical testing. Allele origin: germline.
Comment: The SEPSECS c.1150C>T variant is predicted to result in the amino acid substitution p.Arg384Cys. To our knowledge, this variant has not been reported in the literature. This variant is reported in 0.0% of alleles in individuals of African descent in gnomAD. At this time, the clinical significance of this variant is uncertain due to the absence of conclusive functional and genetic evidence.

Labcorp Genetics (formerly Invitae), Labcorp
Classification: Uncertain significance. Last evaluated: 2021-08-30. Review status: criteria provided, single submitter. Criteria: Invitae Variant Classification Sherloc (09022015). Collection method: clinical testing. Allele origin: germline.
Comment: This sequence change replaces arginine with cysteine at codon 384 of the SEPSECS protein (p.Arg384Cys). The arginine residue is weakly conserved and there is a large physicochemical difference between arginine and cysteine. This variant is not present in population databases (ExAC no frequency). This variant has not been reported in the literature in individuals affected with SEPSECS-related conditions. Algorithms developed to predict the effect of missense changes on protein structure and function output the following: SIFT: "Deleterious"; PolyPhen-2: "Benign"; Align-GVGD: "Class C0". The cysteine amino acid residue is found in multiple mammalian species, which suggests that this missense change does not adversely affect protein function. In summary, the available evidence is currently insufficient to determine the role of this variant in disease. Therefore, it has been classified as a Variant of Uncertain Significance.